The following is an entry in ClinVar:

NM_144672.4(OTOA):c.268-677G>A

Gene: OTOA (otoancorin). Cytogenetic location: 16p12.2.
Variant type: single nucleotide variant.
Coding change: c.268-677G>A on transcript NM_144672.4 (MANE Select); 677 bases into the intron before coding-DNA position 268, G replaced by A.
Molecular consequence: intron variant. On other transcripts: splice donor variant (1).
Genome position (GRCh38, 1-based): chr16:21,684,553, G>A. VCF-style: chr16-21684553-G-A. GRCh37 (hg19) VCF-style: chr16-21695874-G-A.
Other names: c.30+1G>A (NM_001161683.2, NM_001161683.1).
Identifiers: ClinVar variation 1029163 (VCV001029163.2), dbSNP rs931046043, ClinGen allele CA279394732.

ClinVar aggregate classification (germline): Uncertain significance. Review status: criteria provided, multiple submitters, no conflicts (2 of 4 stars). 2 submissions from 2 submitters: Uncertain significance (2). Last evaluated 2026-07-08.

Conditions:
OTOA-related disorder. Also called: OTOA-related condition.
Autosomal recessive nonsyndromic hearing loss 22. Identifiers: Orphanet 90636, MedGen C1846896, MONDO:0011762, OMIM 607039.

Allele frequency attached by ClinVar (database versions not stated): gnomAD exomes 0.00002 and 0.00007; TOPMed 0.00004.
gnomAD v4.1: 12 of 1,548,734 alleles (0.00077%); highest among the groups gnomAD compares: Admixed American, 0.022%; no homozygotes.

Submissions (2):

PreventionGenetics, part of Exact Sciences
Classification: Uncertain significance for OTOA-related condition. Last evaluated: 2026-07-08. Review status: criteria provided, single submitter. Criteria: ACMG Guidelines, 2015. Collection method: clinical testing. Allele origin: germline.
Comment: The OTOA c.30+1G>A variant is predicted to disrupt the GT donor site and interfere with normal splicing. This variant is non-coding in the canonical transcript (NM_144672:c.268-677G>A). To our knowledge, this variant has not been reported in the literature. This variant is reported in 0.045% of alleles in individuals of Latino descent in gnomAD. At this time, the clinical significance of this variant is uncertain due to the absence of conclusive functional and genetic evidence.

Baylor Genetics
Classification: Uncertain significance for Autosomal recessive nonsyndromic hearing loss 22. Last evaluated: 2019-05-10. Review status: criteria provided, single submitter. Criteria: ACMG Guidelines, 2015. Collection method: clinical testing. Allele origin: unknown. Affected: yes.
Comment: This variant was determined to be of uncertain significance according to ACMG Guidelines, 2015 [PMID:25741868].